The following is an entry in ClinVar:

ClinVar aggregate classification (germline): Uncertain significance (1 of 4 stars; one submission).

Conditions:
Episodic ataxia type 2 (EA2). Also called: ATAXIA, EPISODIC, WITH NYSTAGMUS; ATAXIA, FAMILIAL PAROXYSMAL; CEREBELLAR ATAXIA, PAROXYSMAL, ACETAZOLAMIDE-RESPONSIVE; CEREBELLOPATHY, HEREDITARY PAROXYSMAL; ACETAZOLAMIDE-RESPONSIVE HEREDITARY PAROXYSMAL CEREBELLAR ATAXIA; EPISODIC ATAXIA, NYSTAGMUS-ASSOCIATED. Identifiers: Orphanet 97, MedGen C1720416, MONDO:0007163, OMIM 108500.
Developmental and epileptic encephalopathy, 42 (DEE42A). Also called: Epileptic encephalopathy, early infantile, 42; DEVELOPMENTAL AND EPILEPTIC ENCEPHALOPATHY 42A; EPILEPTIC ENCEPHALOPATHY, EARLY INFANTILE, 42A. Identifiers: MedGen C4310716, MONDO:0014917, OMIM 617106.

Allele frequency attached by ClinVar (database versions not stated): gnomAD 0.00001; TOPMed 0.00001.
gnomAD v4.1: 7 of 1,573,982 alleles (0.00044%); highest among the groups gnomAD compares: African/African-American, 0.0054%; no homozygotes.

Submission:

Labcorp Genetics (formerly Invitae), Labcorp
Classification: Uncertain significance for Developmental and epileptic encephalopathy, 42; Episodic ataxia type 2. Last evaluated: 2024-06-26. Review status: criteria provided, single submitter. Criteria: Invitae Variant Classification Sherloc (09022015). Collection method: clinical testing. Allele origin: germline.
Comment: This sequence change falls in intron 25 of the CACNA1A gene. It does not directly change the encoded amino acid sequence of the CACNA1A protein. It affects a nucleotide within the consensus splice site. This variant is present in population databases (no rsID available, gnomAD 0.007%). This variant has not been reported in the literature in individuals affected with CACNA1A-related conditions. ClinVar contains an entry for this variant (Variation ID: 2040252). Variants that disrupt the consensus splice site are a relatively common cause of aberrant splicing (PMID: 17576681, 9536098). Algorithms developed to predict the effect of sequence changes on RNA splicing suggest that this variant is not likely to affect RNA splicing. In summary, the available evidence is currently insufficient to determine the role of this variant in disease. Therefore, it has been classified as a Variant of Uncertain Significance.

Literature cited by the submitters: PubMed 17576681; PubMed 9536098.

NM_001127222.2(CACNA1A):c.4089+6A>T

Gene: CACNA1A (calcium voltage-gated channel subunit alpha1 A; minus strand). Cytogenetic location: 19p13.13.
Variant type: single nucleotide variant.
Coding change: c.4089+6A>T on transcript NM_001127222.2 (MANE Select); 6 bases into the intron after coding-DNA position 4089, A replaced by T.
Molecular consequence: intron variant.
Genome position (GRCh38, 1-based): chr19:13,262,728, T>A on the plus strand (A>T on the coding strand, the complement: CACNA1A is on the minus strand). VCF-style: chr19-13262728-T-A. GRCh37 (hg19) VCF-style: chr19-13373542-T-A.
Other names: c.4092+6A>T (NM_001127221.2, NM_001174080.2); c.4101+6A>T (NM_000068.4, NM_023035.3).
Identifiers: ClinVar variation 2040252 (VCV002040252.4), dbSNP rs916762079, ClinGen allele CA305546559.
Genomic context (GRCh38, chr19:13,262,728, plus strand): 5'-CTGCTCAGCTGTACATGATAACCCTGACAGTCCCCCCCACCGCACCCCACCATCTCCCAA[T>A]CTCACCTTGAGCTTTGGCAGCCGCTTGATGGTTTTAAGAGGTCGTAGCACCCGGAGGACT-3'